The following is an entry in ClinVar:

ClinVar aggregate classification (germline): Uncertain significance (1 of 4 stars; one submission).

Conditions:
Developmental and epileptic encephalopathy, 12 (DEE12). Identifiers: MedGen C3150988, MONDO:0013389, OMIM 613722.

Submission:

Labcorp Genetics (formerly Invitae), Labcorp
Classification: Uncertain significance for Developmental and epileptic encephalopathy, 12. Last evaluated: 2022-01-22. Review status: criteria provided, single submitter. Criteria: Invitae Variant Classification Sherloc (09022015). Collection method: clinical testing. Allele origin: germline.
Comment: In summary, the available evidence is currently insufficient to determine the role of this variant in disease. Therefore, it has been classified as a Variant of Uncertain Significance. Algorithms developed to predict the effect of missense changes on protein structure and function are either unavailable or do not agree on the potential impact of this missense change (SIFT: "Tolerated"; PolyPhen-2: "Possibly Damaging"; Align-GVGD: "Class C0"). This variant has not been reported in the literature in individuals affected with PNKP-related conditions. This variant is not present in population databases (gnomAD no frequency). This sequence change replaces glutamic acid, which is acidic and polar, with alanine, which is neutral and non-polar, at codon 198 of the PNKP protein (p.Glu198Ala).

NM_007254.4(PNKP):c.593A>C (p.Glu198Ala)

Gene: PNKP (polynucleotide kinase 3'-phosphatase; minus strand). Cytogenetic location: 19q13.33.
Variant type: single nucleotide variant.
Coding change: c.593A>C on transcript NM_007254.4 (MANE Select); coding-DNA position 593, A replaced by C.
Protein change: p.Glu198Ala; replaces glutamic acid 198 with alanine.
Molecular consequence: missense variant.
Genome position (GRCh38, 1-based): chr19:49,864,222, T>G on the plus strand (A>C on the coding strand, the complement: PNKP is on the minus strand). VCF-style: chr19-49864222-T-G. GRCh37 (hg19) VCF-style: chr19-50367479-T-G.
Other names: short protein forms E198A.
Identifiers: ClinVar variation 2089089 (VCV002089089.4), dbSNP rs2514639773, ClinGen allele CA406886797.